The following is an entry in ClinVar:

NM_000059.4(BRCA2):c.4982A>T (p.Tyr1661Phe)

Gene: BRCA2 (BRCA2 DNA repair associated; plus strand). Cytogenetic location: 13q13.1.
Variant type: single nucleotide variant.
Coding change: c.4982A>T on transcript NM_000059.4 (MANE Select); coding-DNA position 4982, A replaced by T.
Protein change: p.Tyr1661Phe; replaces tyrosine 1661 with phenylalanine.
Molecular consequence: missense variant.
Genome position (GRCh38, 1-based): chr13:32,339,337, A>T. VCF-style: chr13-32339337-A-T. GRCh37 (hg19) VCF-style: chr13-32913474-A-T.
Other names: short protein forms Y1661F.
Identifiers: ClinVar variation 581699 (VCV000581699.28), dbSNP rs771921490, ClinGen allele CA247508812.

ClinVar aggregate classification (germline): Conflicting classifications of pathogenicity. Review status: criteria provided, conflicting classifications (1 of 4 stars). 6 submissions from 6 submitters: Uncertain significance (4); Likely benign (2). Last evaluated 2026-08-20.

Conditions:
Breast-ovarian cancer, familial, susceptibility to, 2 (BROVCA2). Also called: BRCA2 Hereditary Breast and Ovarian Cancer. Identifiers: Orphanet 145, MedGen C2675520, MONDO:0012933, OMIM 612555. Disease mechanism: loss of function.
Hereditary cancer-predisposing syndrome. Also called: Tumor predisposition; Hereditary Cancer Syndrome; Hereditary neoplastic syndrome; Neoplastic Syndromes, Hereditary. Identifiers: Orphanet 140162, MedGen C0027672, MeSH D009386, MONDO:0015356.
Hereditary breast ovarian cancer syndrome. Also called: BRCA1- and BRCA2-Associated Hereditary Breast and Ovarian Cancer; Hereditary breast and ovarian cancer; Hereditary breast and ovarian cancer syndrome; Hereditary breast and ovarian cancer syndrome (HBOC); Breast and ovarian cancer; Hereditary breast and/or ovarian cancer syndrome. Identifiers: Orphanet 145, MedGen C0677776, MeSH D061325, MONDO:0003582. Disease mechanism: loss of function.

Submissions (6):

Ambry Genetics
Classification: Likely benign for Hereditary cancer-predisposing syndrome. Last evaluated: 2026-08-20. Review status: criteria provided, single submitter. Criteria: Ambry Variant Classification Scheme 2023. Collection method: clinical testing. Allele origin: germline.

CeGaT Center for Human Genetics Tuebingen
Classification: Uncertain significance. Last evaluated: 2025-02-01. Review status: criteria provided, single submitter. Criteria: CeGaT Center For Human Genetics Tuebingen Variant Classification Criteria Version 2. Collection method: clinical testing. Allele origin: germline. Affected: yes. Observed: 1 variant allele.
Comment: BRCA2: PM2, BP4

All of Us Research Program, National Institutes of Health
Classification: Uncertain significance for Breast-ovarian cancer, familial, susceptibility to, 2. Last evaluated: 2023-10-23. Review status: criteria provided, single submitter. Criteria: ACMG Guidelines, 2015. Collection method: clinical testing. Allele origin: germline. Inheritance: Autosomal dominant inheritance. Observed: 1 variant allele, 1 heterozygote.
Comment: This missense variant replaces tyrosine with phenylalanine at codon 1661 of the BRCA2 protein. Computational prediction suggests that this variant may not impact protein structure and function (internally defined REVEL score threshold <= 0.5, PMID: 27666373). To our knowledge, functional studies have not been reported for this variant. This variant has been detected in a breast cancer case-control meta-analysis in 1/60463 cases and 0/53461 unaffected individuals (PMID: 33471991; Leiden Open Variation Database DB-ID BRCA2_000678). This variant has not been identified in the general population by the Genome Aggregation Database (gnomAD). The available evidence is insufficient to determine the role of this variant in disease conclusively. Therefore, this variant is classified as a Variant of Uncertain Significance.

This study involves interpretation of variants in research participants for the purpose of population health screening. Participant phenotype was not available at the time of variant classification. Additional details can be found in publication PMID: 35346344, PMCID: PMC8962531

Labcorp Genetics (formerly Invitae), Labcorp
Classification: Uncertain significance for Hereditary breast ovarian cancer syndrome. Last evaluated: 2023-10-03. Review status: criteria provided, single submitter. Criteria: Invitae Variant Classification Sherloc (09022015). Collection method: clinical testing. Allele origin: germline.
Comment: This sequence change replaces tyrosine, which is neutral and polar, with phenylalanine, which is neutral and non-polar, at codon 1661 of the BRCA2 protein (p.Tyr1661Phe). This variant is not present in population databases (gnomAD no frequency). This variant has not been reported in the literature in individuals affected with BRCA2-related conditions. ClinVar contains an entry for this variant (Variation ID: 581699). Advanced modeling of protein sequence and biophysical properties (such as structural, functional, and spatial information, amino acid conservation, physicochemical variation, residue mobility, and thermodynamic stability) performed at Invitae indicates that this missense variant is not expected to disrupt BRCA2 protein function. In summary, the available evidence is currently insufficient to determine the role of this variant in disease. Therefore, it has been classified as a Variant of Uncertain Significance.

University of Washington Department of Laboratory Medicine, University of Washington
Classification: Likely benign for Hereditary cancer-predisposing syndrome. Last evaluated: 2023-03-23. Review status: criteria provided, single submitter. Criteria: Dines et al. (Genet Med. 2020). Collection method: curation. Allele origin: germline.
Comment: Missense variant in a coldspot region where missense variants are very unlikely to be pathogenic (PMID:31911673).

BRCA2 exon 11 coldspot. Reclassification based on statistical prior probability.

Quest Diagnostics Nichols Institute San Juan Capistrano
Classification: Uncertain significance. Last evaluated: 2021-07-22. Review status: criteria provided, single submitter. Criteria: Quest Diagnostics criteria. Collection method: clinical testing. Allele origin: unknown.

Literature cited by the submitters: PubMed 33471991 (cited by All of Us Research Program, National Institutes of Health).